The following is an entry in ClinVar:

NM_002485.5(NBN):c.610T>C (p.Ser204Pro)

Gene: NBN (nibrin; minus strand). Cytogenetic location: 8q21.3.
Variant type: single nucleotide variant.
Coding change: c.610T>C on transcript NM_002485.5 (MANE Select); coding-DNA position 610, T replaced by C.
Protein change: p.Ser204Pro; replaces serine 204 with proline.
Molecular consequence: missense variant.
Genome position (GRCh38, 1-based): chr8:89,971,265, A>G on the plus strand (T>C on the coding strand, the complement: NBN is on the minus strand). VCF-style: chr8-89971265-A-G. GRCh37 (hg19) VCF-style: chr8-90983493-A-G.
Other names: c.364T>C, p.Ser122Pro (NM_001024688.3); c.610T>C (NM_002485.4); short protein forms S204P, S122P.
Identifiers: ClinVar variation 1393089 (VCV001393089.6), dbSNP rs2129839225, ClinGen allele CA371659291.

ClinVar aggregate classification (germline): Uncertain significance. Review status: criteria provided, multiple submitters, no conflicts (2 of 4 stars). 2 submissions from 2 submitters: Uncertain significance (2). Last evaluated 2026-07-02.

Conditions:
Hereditary cancer-predisposing syndrome. Also called: Hereditary Cancer Syndrome; Neoplastic Syndromes, Hereditary; Hereditary neoplastic syndrome; Tumor predisposition. Identifiers: Orphanet 140162, MedGen C0027672, MeSH D009386, MONDO:0015356.
Microcephaly, normal intelligence and immunodeficiency (NBS). Also called: SEEMANOVA SYNDROME II; BERLIN BREAKAGE SYNDROME; Immunodeficiency, microcephaly with normal intelligence; Ataxia telangiectasia variant V1; Nijmegen breakage syndrome; Microcephaly with normal intelligence immunodeficiency and lymphoreticular malignancies. Identifiers: Orphanet 647, MedGen C0398791, MONDO:0009623, OMIM 251260.

Submissions (2):

Ambry Genetics
Classification: Uncertain significance for Hereditary cancer-predisposing syndrome. Last evaluated: 2026-07-02. Review status: criteria provided, single submitter. Criteria: Ambry Variant Classification Scheme 2023. Collection method: clinical testing. Allele origin: germline.
Comment: The p.S204P variant (also known as c.610T>C), located in coding exon 6 of the NBN gene, results from a T to C substitution at nucleotide position 610. The serine at codon 204 is replaced by proline, an amino acid with similar properties. This amino acid position is conserved. In addition, this alteration is predicted to be tolerated by in silico analysis. Based on the available evidence, the clinical significance of this variant remains unclear.

Labcorp Genetics (formerly Invitae), Labcorp
Classification: Uncertain significance for Microcephaly, normal intelligence and immunodeficiency. Last evaluated: 2021-08-24. Review status: criteria provided, single submitter. Criteria: Invitae Variant Classification Sherloc (09022015). Collection method: clinical testing. Allele origin: germline.
Comment: This sequence change replaces serine with proline at codon 204 of the NBN protein (p.Ser204Pro). The serine residue is weakly conserved and there is a moderate physicochemical difference between serine and proline. This variant is not present in population databases (ExAC no frequency). This variant has not been reported in the literature in individuals affected with NBN-related conditions. Algorithms developed to predict the effect of missense changes on protein structure and function are either unavailable or do not agree on the potential impact of this missense change (SIFT: "Deleterious"; PolyPhen-2: "Benign"; Align-GVGD: "Class C0"). In summary, the available evidence is currently insufficient to determine the role of this variant in disease. Therefore, it has been classified as a Variant of Uncertain Significance.